The following is an entry in ClinVar:

ClinVar aggregate classification (germline): Uncertain significance (1 of 4 stars; one submission).

Conditions:
Cardiovascular phenotype. Identifiers: MedGen CN230736.

Submission:

Molecular Diagnostic Laboratory for Inherited Cardiovascular Disease, Montreal Heart Institute
Classification: Uncertain significance for Cardiovascular phenotype. Last evaluated: 2025-04-09. Review status: criteria provided, single submitter. Criteria: ACMG Guidelines, 2015. Collection method: clinical testing. Allele origin: germline. Affected: yes.
Comment: PVS1_mod, PM2, PS4_supp

NM_004006.2:c.(93+1_94-1)_(649+1_650-1)dup

Gene: DMD (dystrophin; minus strand).
Variant type: Duplication.
Identifiers: ClinVar variation 3895419 (VCV003895419.1).